The following is an entry in ClinVar:

NM_004958.4(MTOR):c.2022T>C (p.Cys674=)

Gene: MTOR (mechanistic target of rapamycin kinase; minus strand). Cytogenetic location: 1p36.22.
Variant type: single nucleotide variant.
Coding change: c.2022T>C on transcript NM_004958.4 (MANE Select); coding-DNA position 2022, T replaced by C.
Protein change: p.Cys674=; no amino-acid change (cysteine 674 retained).
Molecular consequence: synonymous variant.
Genome position (GRCh38, 1-based): chr1:11,238,029, A>G on the plus strand (T>C on the coding strand, the complement: MTOR is on the minus strand). VCF-style: chr1-11238029-A-G. GRCh37 (hg19) VCF-style: chr1-11298086-A-G.
Other names: c.2022T>C, p.Cys674= (NM_001386500.1); c.774T>C, p.Cys258= (NM_001386501.1).
Identifiers: ClinVar variation 1077878 (VCV001077878.13), dbSNP rs202163945, ClinGen allele CA590587.

ClinVar aggregate classification (germline): Likely benign. Review status: criteria provided, multiple submitters, no conflicts (2 of 4 stars). 2 submissions from 2 submitters: Likely benign (2). Last evaluated 2026-02-01.

Allele frequency attached by ClinVar (database versions not stated): gnomAD 0.00001 and 0.00002; TOPMed 0.00001; ExAC 0.00002; gnomAD exomes 0.00002 and 0.00008; 1000 Genomes Project 0.00020; 1000 Genomes Project 30x 0.00031.
gnomAD v4.1: 31 of 1,614,200 alleles (0.0019%); highest among the groups gnomAD compares: Admixed American, 0.028%; no homozygotes.

Submissions (2):

CeGaT Center for Human Genetics Tuebingen
Classification: Likely benign. Last evaluated: 2026-02-01. Review status: criteria provided, single submitter. Criteria: CeGaT Center For Human Genetics Tuebingen Variant Classification Criteria Version 2. Collection method: clinical testing. Allele origin: germline. Affected: yes. Observed: 1 variant allele.
Comment: MTOR: BP4, BP7

Labcorp Genetics (formerly Invitae), Labcorp
Classification: Likely benign. Last evaluated: 2025-09-27. Review status: criteria provided, single submitter. Criteria: Invitae Variant Classification Sherloc (09022015). Collection method: clinical testing. Allele origin: germline.